The following is an entry in ClinVar:

ClinVar aggregate classification (germline): Likely benign. Review status: criteria provided, multiple submitters, no conflicts (2 of 4 stars). 3 submissions from 3 submitters: Likely benign (3). Last evaluated 2026-08-01.

Allele frequency attached by ClinVar (database versions not stated): gnomAD exomes 0.00002 and 0.00004; TOPMed 0.00002; ExAC 0.00003; gnomAD 0.00004 and 0.00005.
gnomAD v4.1: 28 of 1,605,174 alleles (0.0017%); highest among the groups gnomAD compares: Admixed American, 0.023%; no homozygotes.

Submissions (3):

CeGaT Center for Human Genetics Tuebingen
Classification: Likely benign. Last evaluated: 2026-08-01. Review status: criteria provided, single submitter. Criteria: CeGaT Center For Human Genetics Tuebingen Variant Classification Criteria Version 2. Collection method: clinical testing. Allele origin: germline. Affected: yes. Observed: 2 variant alleles.
Comment: PCDH12: BP4, BP7

Labcorp Genetics (formerly Invitae), Labcorp
Classification: Likely benign. Last evaluated: 2025-03-31. Review status: criteria provided, single submitter. Criteria: Invitae Variant Classification Sherloc (09022015). Collection method: clinical testing. Allele origin: germline.

Breakthrough Genomics
Classification: Likely benign. Review status: criteria provided, single submitter. Criteria: ACMG Guidelines, 2015. Collection method: not provided. Allele origin: germline. Inheritance: Autosomal recessive inheritance. Affected: yes.

NM_016580.4(PCDH12):c.3504G>A (p.Thr1168=)

Gene: PCDH12 (protocadherin 12; minus strand). Cytogenetic location: 5q31.3.
Variant type: single nucleotide variant.
Coding change: c.3504G>A on transcript NM_016580.4 (MANE Select); coding-DNA position 3504, G replaced by A.
Protein change: p.Thr1168=; no amino-acid change (threonine 1168 retained).
Molecular consequence: synonymous variant.
Genome position (GRCh38, 1-based): chr5:141,945,432, C>T on the plus strand (G>A on the coding strand, the complement: PCDH12 is on the minus strand). VCF-style: chr5-141945432-C-T. GRCh37 (hg19) VCF-style: chr5-141324997-C-T.
Identifiers: ClinVar variation 1641108 (VCV001641108.10), dbSNP rs770633822, ClinGen allele CA3483944.